The following is an entry in ClinVar:

ClinVar aggregate classification (germline): Uncertain significance (1 of 4 stars; one submission).

Conditions:
Mosaic variegated aneuploidy syndrome 2 (MVA2). Identifiers: Orphanet 1052, MedGen C3279843, MONDO:0013582, OMIM 614114.

Allele frequency attached by ClinVar (database versions not stated): gnomAD exomes below 0.00001; TOPMed below 0.00001; ExAC 0.00001.
gnomAD v4.1: 7 of 1,613,848 alleles (0.00043%); highest among the groups gnomAD compares: Admixed American, 0.0017%; no homozygotes.

Submission:

Labcorp Genetics (formerly Invitae), Labcorp
Classification: Uncertain significance for Mosaic variegated aneuploidy syndrome 2. Last evaluated: 2020-02-15. Review status: criteria provided, single submitter. Criteria: Invitae Variant Classification Sherloc (09022015). Collection method: clinical testing. Allele origin: germline.
Comment: In summary, the available evidence is currently insufficient to determine the role of this variant in disease. Therefore, it has been classified as a Variant of Uncertain Significance. Algorithms developed to predict the effect of sequence changes on RNA splicing suggest that this variant may create or strengthen a splice site, but this prediction has not been confirmed by published transcriptional studies. This variant has not been reported in the literature in individuals with CEP57-related conditions. This variant is present in population databases (rs775590763, ExAC 0.002%). This sequence change affects codon 282 of the CEP57 mRNA. It is a 'silent' change, meaning that it does not change the encoded amino acid sequence of the CEP57 protein.

NM_014679.5(CEP57):c.846T>C (p.Tyr282=)

Gene: CEP57 (centrosomal protein 57; plus strand). Cytogenetic location: 11q21.
Variant type: single nucleotide variant.
Coding change: c.846T>C on transcript NM_014679.5 (MANE Select); coding-DNA position 846, T replaced by C.
Protein change: p.Tyr282=; no amino-acid change (tyrosine 282 retained).
Molecular consequence: synonymous variant. On other transcripts: intron variant (1).
Genome position (GRCh38, 1-based): chr11:95,822,537, T>C. VCF-style: chr11-95822537-T-C. GRCh37 (hg19) VCF-style: chr11-95555701-T-C.
Other names: c.819T>C, p.Tyr273= (NM_001243776.2); c.765T>C, p.Tyr255= (NM_001363604.2); c.807+559T>C (NM_001243777.2).
Identifiers: ClinVar variation 941850 (VCV000941850.9), dbSNP rs775590763, ClinGen allele CA6239619.
Genomic context (GRCh38, chr11:95,822,537, plus strand): 5'-TTTTCCTTTTCTTTTCATTCAGAAAAGTTCTAGGAACTATTTTGGTGCACAACCACATTA[T>C]AGATTATGCTTGGGTGATATGCCATTTGTAGCTGGGAAGGTGAGTTGGTCAAACTCCGGA-3'
Protein context (NP_055494.2, residues 272-292): SRNYFGAQPH[Tyr282=]RLCLGDMPFV